The following is an entry in ClinVar:

NM_170606.3(KMT2C):c.8342T>A (p.Ile2781Asn)

Gene: KMT2C (lysine methyltransferase 2C; minus strand). Cytogenetic location: 7q36.1.
Variant type: single nucleotide variant.
Coding change: c.8342T>A on transcript NM_170606.3 (MANE Select); coding-DNA position 8342, T replaced by A.
Protein change: p.Ile2781Asn; replaces isoleucine 2781 with asparagine.
Molecular consequence: missense variant.
Genome position (GRCh38, 1-based): chr7:152,177,111, A>T on the plus strand (T>A on the coding strand, the complement: KMT2C is on the minus strand). VCF-style: chr7-152177111-A-T. GRCh37 (hg19) VCF-style: chr7-151874196-A-T.
Other names: short protein forms I2781N.
Identifiers: ClinVar variation 1805926 (VCV001805926.1), dbSNP rs2129114225, ClinGen allele CA370080390.

ClinVar aggregate classification (germline): Uncertain significance (1 of 4 stars; one submission).

Conditions:
Kleefstra syndrome 2 (KLEFS2). Identifiers: MedGen C4540395, MONDO:0054701, OMIM 617768.

Submission:

Victorian Clinical Genetics Services, Murdoch Childrens Research Institute
Classification: Uncertain significance for Kleefstra syndrome 2. Last evaluated: 2022-09-02. Review status: criteria provided, single submitter. Criteria: ACMG Guidelines, 2015. Collection method: clinical testing. Allele origin: germline. Inheritance: Autosomal dominant inheritance. Affected: yes.
Comment: Based on the classification scheme VCGS_Germline_v1.3.4, this variant is classified as VUS-3B. Following criteria are met: 0102 - Loss of function is a known mechanism of disease in this gene and is associated with Kleefstra syndrome 2 (MIM#617768). (I) 0107 - This gene is associated with autosomal dominant disease. (I) 0200 - Variant is predicted to result in a missense amino acid change from isoleucine to asparagine. (I) 0251 - This variant is heterozygous. (I) 0301 - Variant is absent from gnomAD (both v2 and v3). (SP) 0309 - An alternative amino acid change at the same position has been observed in gnomAD (v3) (6 heterozygotes, 0 homozygotes). (I) 0501 - Missense variant consistently predicted to be damaging by multiple in silico tools or highly conserved with a major amino acid change. (SP) 0604 - Variant is not located in an established domain, motif, hotspot or informative constraint region. (I) 0705 - No comparable missense variants have previous evidence for pathogenicity. (I) 0807 - This variant has no previous evidence of pathogenicity. (I) 0905 - No published segregation evidence has been identified for this variant. (I) 1007 - No published functional evidence has been identified for this variant. (I) 1207 - Parental origin of the variant is unresolved (by duo analysis). This variant was not maternally inherited. (I) Legend: (SP) - Supporting pathogenic, (I) - Information, (SB) - Supporting benign